The following is an entry in ClinVar:

NM_014915.3(ANKRD26):c.3059G>A (p.Arg1020His)

Gene: ANKRD26 (ankyrin repeat domain 26; minus strand). Cytogenetic location: 10p12.1.
Variant type: single nucleotide variant.
Coding change: c.3059G>A on transcript NM_014915.3 (MANE Select); coding-DNA position 3059, G replaced by A.
Protein change: p.Arg1020His; replaces arginine 1020 with histidine.
Molecular consequence: missense variant.
Genome position (GRCh38, 1-based): chr10:27,035,391, C>T on the plus strand (G>A on the coding strand, the complement: ANKRD26 is on the minus strand). VCF-style: chr10-27035391-C-T. GRCh37 (hg19) VCF-style: chr10-27324320-C-T.
Other names: c.3056G>A, p.Arg1019His (NM_001256053.2); short protein forms R1020H, R1019H.
Identifiers: ClinVar variation 3296793 (VCV003296793.4).

ClinVar aggregate classification (germline): Conflicting classifications of pathogenicity. Review status: criteria provided, conflicting classifications (1 of 4 stars). 2 submissions from 2 submitters: Uncertain significance (1); Likely benign (1). Last evaluated 2025-10-21.

Conditions:
Inborn genetic diseases. Identifiers: MedGen C0950123, MeSH D030342.

gnomAD v4.1: 33 of 1,613,768 alleles (0.002%); highest among the groups gnomAD compares: South Asian, 0.021%; no homozygotes.

Submissions (2):

Labcorp Genetics (formerly Invitae), Labcorp
Classification: Uncertain significance. Last evaluated: 2025-10-21. Review status: criteria provided, single submitter. Criteria: Invitae Variant Classification Sherloc (09022015). Collection method: clinical testing. Allele origin: germline.
Comment: This sequence change replaces arginine, which is basic and polar, with histidine, which is basic and polar, at codon 1020 of the ANKRD26 protein (p.Arg1020His). This variant is present in population databases (rs753614088, gnomAD 0.02%). This variant has not been reported in the literature in individuals affected with ANKRD26-related conditions. ClinVar contains an entry for this variant (Variation ID: 3296793). An algorithm developed to predict the effect of missense changes on protein structure and function outputs the following: PolyPhen-2: "Benign". The histidine amino acid residue is found in multiple mammalian species, which suggests that this missense change does not adversely affect protein function. In summary, the available evidence is currently insufficient to determine the role of this variant in disease. Therefore, it has been classified as a Variant of Uncertain Significance.

Ambry Genetics
Classification: Likely benign for Inborn genetic diseases. Last evaluated: 2024-11-28. Review status: criteria provided, single submitter. Criteria: Ambry Variant Classification Scheme 2023. Collection method: clinical testing. Allele origin: germline.